The following is an entry in ClinVar:

ClinVar aggregate classification (germline): Uncertain significance (1 of 4 stars; one submission).

Conditions:
Perlman syndrome (PRLMNS). Identifiers: Orphanet 2849, MedGen C0796113, MONDO:0009965, OMIM 267000.

Submission:

Labcorp Genetics (formerly Invitae), Labcorp
Classification: Uncertain significance for Perlman syndrome. Last evaluated: 2023-04-14. Review status: criteria provided, single submitter. Criteria: Invitae Variant Classification Sherloc (09022015). Collection method: clinical testing. Allele origin: germline.
Comment: This sequence change replaces proline, which is neutral and non-polar, with leucine, which is neutral and non-polar, at codon 504 of the DIS3L2 protein (p.Pro504Leu). This variant is not present in population databases (gnomAD no frequency). This variant has not been reported in the literature in individuals affected with DIS3L2-related conditions. Advanced modeling of protein sequence and biophysical properties (such as structural, functional, and spatial information, amino acid conservation, physicochemical variation, residue mobility, and thermodynamic stability) performed at Invitae indicates that this missense variant is not expected to disrupt DIS3L2 protein function. In summary, the available evidence is currently insufficient to determine the role of this variant in disease. Therefore, it has been classified as a Variant of Uncertain Significance.

NM_152383.5(DIS3L2):c.1511C>T (p.Pro504Leu)

Gene: DIS3L2 (DIS3 like 3'-5' exoribonuclease 2; plus strand). Cytogenetic location: 2q37.1.
Variant type: single nucleotide variant.
Coding change: c.1511C>T on transcript NM_152383.5 (MANE Select); coding-DNA position 1511, C replaced by T.
Protein change: p.Pro504Leu; replaces proline 504 with leucine.
Molecular consequence: missense variant. On other transcripts: non-coding transcript variant (2).
Genome position (GRCh38, 1-based): chr2:232,263,292, C>T. VCF-style: chr2-232263292-C-T. GRCh37 (hg19) VCF-style: chr2-233128002-C-T.
Other names: c.1511C>T, p.Pro504Leu (NM_001257281.2); short protein forms P504L.
Identifiers: ClinVar variation 2890019 (VCV002890019.3), dbSNP rs1693766115, ClinGen allele CA350975427.